The following is an entry in ClinVar:

ClinVar aggregate classification (germline): Uncertain significance (1 of 4 stars; one submission).

gnomAD v4.1: 2 of 1,611,734 alleles (0.00012%); highest among the groups gnomAD compares: African/African-American, 0.0027%; no homozygotes.

Submission:

Women's Health and Genetics/Laboratory Corporation of America, LabCorp
Classification: Uncertain significance. Last evaluated: 2025-07-21. Review status: criteria provided, single submitter. Criteria: LabCorp Variant Classification Summary - May 2015. Collection method: clinical testing. Allele origin: germline.
Comment: Variant summary: TTN c.26056A>G (p.Ile8686Val) results in a conservative amino acid change in the encoded protein sequence. Algorithms developed to predict the effect of missense changes on protein structure and function are either unavailable or do not agree on the potential impact of this missense change. The variant was absent in 244616 control chromosomes. The available data on variant occurrences in the general population are insufficient to allow any conclusion about variant significance. To our knowledge, no occurrence of c.26056A>G in individuals affected with Autosomal Recessive Titinopathy and no experimental evidence demonstrating its impact on protein function have been reported. No submitters have cited clinical-significance assessments for this variant to ClinVar. Based on the evidence outlined above, the variant was classified as uncertain significance.

NM_001267550.2(TTN):c.29788A>G (p.Ile9930Val)

Gene: TTN (titin; minus strand). Cytogenetic location: 2q31.2.
Variant type: single nucleotide variant.
Coding change: c.29788A>G on transcript NM_001267550.2 (MANE Select); coding-DNA position 29788, A replaced by G.
Protein change: p.Ile9930Val; replaces isoleucine 9930 with valine.
Molecular consequence: missense variant. On other transcripts: intron variant (3).
Genome position (GRCh38, 1-based): chr2:178,704,684, T>C on the plus strand (A>G on the coding strand, the complement: TTN is on the minus strand). VCF-style: chr2-178704684-T-C. GRCh37 (hg19) VCF-style: chr2-179569411-T-C.
Other names: c.28837A>G, p.Ile9613Val (NM_001256850.1); c.26056A>G, p.Ile8686Val (NM_133378.4); c.13282+33398A>G (NM_003319.4); c.13858+33398A>G (NM_133437.4); c.13657+33398A>G (NM_133432.3); short protein forms I9930V, I8686V, I9613V.
Identifiers: ClinVar variation 4525760 (VCV004525760.1).